The following is an entry in ClinVar:

NM_001363711.2(DUOX2):c.145G>T (p.Glu49Ter)

Gene: DUOX2 (dual oxidase 2; minus strand). Cytogenetic location: 15q21.1.
Variant type: single nucleotide variant.
Coding change: c.145G>T on transcript NM_001363711.2 (MANE Select); coding-DNA position 145, G replaced by T.
Protein change: p.Glu49Ter; replaces glutamic acid 49 with a stop codon.
Molecular consequence: nonsense.
Genome position (GRCh38, 1-based): chr15:45,113,002, C>A on the plus strand (G>T on the coding strand, the complement: DUOX2 is on the minus strand). VCF-style: chr15-45113002-C-A. GRCh37 (hg19) VCF-style: chr15-45405200-C-A.
Other names: c.145G>T, p.Glu49Ter (NM_014080.5); short protein forms E49*.
Identifiers: ClinVar variation 2830972 (VCV002830972.3), dbSNP rs756746436, ClinGen allele CA392280071.

ClinVar aggregate classification (germline): Pathogenic (1 of 4 stars; one submission).

gnomAD v4.1: 1 of 1,613,660 alleles (0.000062%); highest among the groups gnomAD compares: Middle Eastern, 0.017%; no homozygotes.

Submission:

Labcorp Genetics (formerly Invitae), Labcorp
Classification: Pathogenic. Last evaluated: 2023-02-27. Review status: criteria provided, single submitter. Criteria: Invitae Variant Classification Sherloc (09022015). Collection method: clinical testing. Allele origin: germline.
Comment: This sequence change creates a premature translational stop signal (p.Glu49*) in the DUOX2 gene. It is expected to result in an absent or disrupted protein product. Loss-of-function variants in DUOX2 are known to be pathogenic (PMID: 12110737, 18765513, 21565790, 24423310, 24735383). This variant is not present in population databases (gnomAD no frequency). This variant has not been reported in the literature in individuals affected with DUOX2-related conditions. Algorithms developed to predict the effect of sequence changes on RNA splicing suggest that this variant may disrupt the consensus splice site. For these reasons, this variant has been classified as Pathogenic.

Literature cited by the submitters: PubMed 12110737; PubMed 18765513; PubMed 21565790; PubMed 24423310; PubMed 24735383.